The following is an entry in ClinVar:

ClinVar aggregate classification (germline): Benign/Likely benign. Review status: criteria provided, multiple submitters, no conflicts (2 of 4 stars). 11 submissions from 8 submitters: Benign (6); Likely benign (3). 2 of the submissions do not count toward it. Last evaluated 2026-02-03.

Conditions:
Autosomal recessive limb-girdle muscular dystrophy type 2J (LGMDR10). Also called: Limb-girdle muscular dystrophy, type 2J; MUSCULAR DYSTROPHY, LIMB-GIRDLE, AUTOSOMAL RECESSIVE 10. Identifiers: Orphanet 140922, MedGen C1837342, MONDO:0012127, OMIM 608807.
Dilated cardiomyopathy 1G (CMD1G). Identifiers: Orphanet 154, MedGen C1858763, MONDO:0011400, OMIM 604145.
Early-onset myopathy with fatal cardiomyopathy (CMYO5). Also called: Salih Myopathy; CONGENITAL MYOPATHY 5 WITH CARDIOMYOPATHY. Identifiers: Orphanet 289377, MedGen C2673677, MONDO:0012714, OMIM 611705. Disease mechanism: loss of function.
Myopathy, myofibrillar, 9, with early respiratory failure (MFM9). Also called: EDSTROM MYOPATHY; MYOPATHY, PROXIMAL, WITH EARLY RESPIRATORY MUSCLE INVOLVEMENT; Hereditary myopathy with early respiratory failure; Myopathy, distal, with early respiratory failure, autosomal dominant. Identifiers: Orphanet 178464, Orphanet 34521, MedGen C1863599, MONDO:0011362, OMIM 603689.
Tibial muscular dystrophy (TMD). Also called: Udd Distal Myopathy – Tibial Muscular Dystrophy; UDD MYOPATHY; Tibial muscular dystrophy, tardive. Identifiers: Orphanet 609, MedGen C1838244, MONDO:0010870, OMIM 600334.

Allele frequency attached by ClinVar (database versions not stated): gnomAD exomes 0.00007 and 0.00020; ExAC 0.00022; 1000 Genomes Project 30x 0.00047; 1000 Genomes Project 0.00060; ESP Exome Variant Server 0.00066; gnomAD 0.00078 and 0.00090; TOPMed 0.00085.
gnomAD v4.1: 219 of 1,588,492 alleles (0.014%); highest among the groups gnomAD compares: African/African-American, 0.27%; no homozygotes.

Submissions (11):

Labcorp Genetics (formerly Invitae), Labcorp
Classification: Benign for Dilated cardiomyopathy 1G; Autosomal recessive limb-girdle muscular dystrophy type 2J. Last evaluated: 2026-02-03. Review status: criteria provided, single submitter. Criteria: Invitae Variant Classification Sherloc (09022015). Collection method: clinical testing. Allele origin: germline.

Blueprint Genetics
Classification: Likely benign. Last evaluated: 2024-11-13. Review status: criteria provided, single submitter. Criteria: ACMG Guidelines, 2015. Collection method: clinical testing. Allele origin: germline.

Women's Health and Genetics/Laboratory Corporation of America, LabCorp
Classification: Benign. Last evaluated: 2021-11-29. Review status: criteria provided, single submitter. Criteria: LabCorp Variant Classification Summary - May 2015. Collection method: clinical testing. Allele origin: germline.
Comment: Variant summary: TTN c.21619+13C>G alters a non-conserved nucleotide located close to a canonical splice site and therefore could affect mRNA splicing, leading to a significantly altered protein sequence. 4/4 computational tools predict no significant impact on normal splicing. However, these predictions have yet to be confirmed by functional studies. The variant allele was found at a frequency of 0.00027 in 260612 control chromosomes, predominantly at a frequency of 0.0028 within the African or African-American subpopulation in the gnomAD database. The observed variant frequency within African or African-American control individuals in the gnomAD database is approximately 7-fold of the estimated maximal expected allele frequency for a pathogenic variant in TTN causing Dilated Cardiomyopathy phenotype (0.00039), strongly suggesting that the variant is a benign polymorphism found primarily in populations of African or African-American origin. To our knowledge, no occurrence of c.21619+13C>G in individuals affected with Dilated Cardiomyopathy and no experimental evidence demonstrating its impact on protein function have been reported. One clinical diagnostic laboratory has submitted clinical-significance assessments for this variant to ClinVar after 2014 without evidence for independent evaluation, and classified the variant as likely benign. Based on the evidence outlined above, the variant was classified as benign.

Genome-Nilou Lab
Classification: Benign for Autosomal recessive limb-girdle muscular dystrophy type 2J. Last evaluated: 2021-09-10. Review status: criteria provided, single submitter. Criteria: ACMG Guidelines, 2015. Collection method: clinical testing. Allele origin: germline. Affected: no.

Genome-Nilou Lab
Classification: Benign for Myopathy, myofibrillar, 9, with early respiratory failure. Last evaluated: 2021-09-10. Review status: criteria provided, single submitter. Criteria: ACMG Guidelines, 2015. Collection method: clinical testing. Allele origin: germline. Affected: no.

Genome-Nilou Lab
Classification: Benign for Early-onset myopathy with fatal cardiomyopathy. Last evaluated: 2021-09-10. Review status: criteria provided, single submitter. Criteria: ACMG Guidelines, 2015. Collection method: clinical testing. Allele origin: germline. Affected: no.

Genome-Nilou Lab
Classification: Benign for Tibial muscular dystrophy. Last evaluated: 2021-09-10. Review status: criteria provided, single submitter. Criteria: ACMG Guidelines, 2015. Collection method: clinical testing. Allele origin: germline. Affected: no.

GeneDx
Classification: Likely benign. Last evaluated: 2017-11-30. Review status: criteria provided, single submitter. Criteria: GeneDx Variant Classification (06012015). Collection method: clinical testing. Allele origin: germline. Affected: yes.
Comment: This variant is considered likely benign or benign based on one or more of the following criteria: it is a conservative change, it occurs at a poorly conserved position in the protein, it is predicted to be benign by multiple in silico algorithms, and/or has population frequency not consistent with disease.

Laboratory for Molecular Medicine, Mass General Brigham Personalized Medicine
Classification: Likely benign. Last evaluated: 2012-03-19. Review status: criteria provided, single submitter. Criteria: LMM Criteria. Collection method: clinical testing. Allele origin: germline. Observed: 3 variant alleles.
Comment: 21619+13C>G in intron 84 of TTN: This variant is not expected to have clinical s ignificance because it is not located within the splice consensus sequence. It h as been identified in 0.3% (8/3124) of African American chromosomes from a broad population by the NHLBI Exome Sequencing Project (EVS; dbSNP rs138362885). 21619+13C>G in intron 84 of TTN (rs138362885; allele f requency = 0.3%, 8/3124) **

Clinical Genetics, Academic Medical Center
Classification: Benign. Review status: no assertion criteria provided. Collection method: clinical testing. Allele origin: germline. Affected: yes. Study: VKGL Data-share Consensus. Not counted in ClinVar's aggregate classification.

Diagnostic Laboratory, Department of Genetics, University Medical Center Groningen
Classification: Likely benign. Review status: no assertion criteria provided. Collection method: clinical testing. Allele origin: germline. Affected: yes. Study: VKGL Data-share Consensus. Not counted in ClinVar's aggregate classification.

NM_001267550.2(TTN):c.25351+13C>G

Gene: TTN (titin; minus strand). Cytogenetic location: 2q31.2.
Variant type: single nucleotide variant.
Coding change: c.25351+13C>G on transcript NM_001267550.2 (MANE Select); 13 bases into the intron after coding-DNA position 25351, C replaced by G.
Molecular consequence: intron variant.
Genome position (GRCh38, 1-based): chr2:178,717,510, G>C on the plus strand (C>G on the coding strand, the complement: TTN is on the minus strand). VCF-style: chr2-178717510-G-C. GRCh37 (hg19) VCF-style: chr2-179582237-G-C.
Other names: c.13282+20572C>G (NM_003319.4); c.13858+20572C>G (NM_133437.4); c.13657+20572C>G (NM_133432.3); c.21619+13C>G (NM_133378.4); c.24400+13C>G (NM_001256850.1).
Identifiers: ClinVar variation 46757 (VCV000046757.20), dbSNP rs138362885, ClinGen allele CA139127.